The following is an entry in ClinVar:

ClinVar aggregate classification (germline): Benign/Likely benign. Review status: criteria provided, multiple submitters, no conflicts (2 of 4 stars). 5 submissions from 5 submitters: Benign (1); Likely benign (4). Last evaluated 2026-01-07.

Conditions:
Tuberous sclerosis 2 (TSC2). Identifiers: Orphanet 805, MedGen C1860707, MONDO:0013199, OMIM 613254.

Allele frequency attached by ClinVar (database versions not stated): gnomAD exomes 0.00001.
gnomAD v4.1: 24 of 1,607,466 alleles (0.0015%); highest among the groups gnomAD compares: Middle Eastern, 0.14%; no homozygotes.

Submissions (5):

Labcorp Genetics (formerly Invitae), Labcorp
Classification: Likely benign for Tuberous sclerosis 2. Last evaluated: 2026-01-07. Review status: criteria provided, single submitter. Criteria: Invitae Variant Classification Sherloc (09022015). Collection method: clinical testing. Allele origin: germline.

Myriad Genetics, Inc.
Classification: Likely benign for Tuberous sclerosis 2. Last evaluated: 2025-05-08. Review status: criteria provided, single submitter. Criteria: Myriad Autosomal Dominant, Autosomal Recessive and X-Linked Classification Criteria (2023). Collection method: clinical testing. Allele origin: unknown.
Comment: This variant is considered likely benign. This variant is intronic and is not expected to impact mRNA splicing.

Blueprint Genetics
Classification: Likely benign. Last evaluated: 2024-11-11. Review status: criteria provided, single submitter. Criteria: ACMG Guidelines, 2015. Collection method: clinical testing. Allele origin: germline.

GeneDx
Classification: Benign. Last evaluated: 2015-04-24. Review status: criteria provided, single submitter. Criteria: GeneDx Variant Classification Process June 2021. Collection method: clinical testing. Allele origin: germline. Affected: yes.

Breakthrough Genomics
Classification: Likely benign. Review status: criteria provided, single submitter. Criteria: ACMG Guidelines, 2015. Collection method: not provided. Allele origin: germline. Inheritance: Autosomal dominant inheritance. Affected: yes.

NM_000548.5(TSC2):c.649-18C>T

Gene: TSC2 (TSC complex subunit 2; plus strand). Cytogenetic location: 16p13.3.
Variant type: single nucleotide variant.
Coding change: c.649-18C>T on transcript NM_000548.5 (MANE Select); 18 bases into the intron before coding-DNA position 649, C replaced by T.
Molecular consequence: intron variant.
Genome position (GRCh38, 1-based): chr16:2,056,626, C>T. VCF-style: chr16-2056626-C-T. GRCh37 (hg19) VCF-style: chr16-2106627-C-T.
Other names: c.649-18C>T (NM_001114382.3, NM_021055.3, NM_001370405.1 and 3 more transcripts); c.538-18C>T (NM_001318827.2); c.49-18C>T (NM_001318831.2); c.502-18C>T (NM_001318829.2); c.682-18C>T (NM_001318832.2).
Identifiers: ClinVar variation 1268776 (VCV001268776.12), dbSNP rs771537061, ClinGen allele CA276774751.